The following is an entry in ClinVar:

NM_014908.4(DOLK):c.203G>T (p.Ser68Ile)

Gene: DOLK (dolichol kinase; minus strand). Cytogenetic location: 9q34.11.
Variant type: single nucleotide variant.
Coding change: c.203G>T on transcript NM_014908.4 (MANE Select); coding-DNA position 203, G replaced by T.
Protein change: p.Ser68Ile; replaces serine 68 with isoleucine.
Molecular consequence: missense variant.
Genome position (GRCh38, 1-based): chr9:128,947,101, C>A on the plus strand (G>T on the coding strand, the complement: DOLK is on the minus strand). VCF-style: chr9-128947101-C-A. GRCh37 (hg19) VCF-style: chr9-131709380-C-A.
Other names: short protein forms S68I.
Identifiers: ClinVar variation 861709 (VCV000861709.8), dbSNP rs753603168, ClinGen allele CA200445445.

ClinVar aggregate classification (germline): Uncertain significance. Review status: criteria provided, multiple submitters, no conflicts (2 of 4 stars). 3 submissions from 3 submitters: Uncertain significance (3). Last evaluated 2025-03-18.

Conditions:
DK1-congenital disorder of glycosylation. Also called: DOLK-congenital disorder of glycosylation; Carbohydrate deficient glycoprotein syndrome type 1m; DK1-CDG; CONGENITAL DISORDER OF GLYCOSYLATION, TYPE Im; CDG Im; DK1 DEFICIENCY. Identifiers: Orphanet 91131, MedGen C1835849, MONDO:0012556, OMIM 610768.
Cardiovascular phenotype. Identifiers: MedGen CN230736.

Allele frequency attached by ClinVar (database versions not stated): gnomAD 0.00001; TOPMed 0.00002.

Submissions (3):

Ambry Genetics
Classification: Uncertain significance for Cardiovascular phenotype. Last evaluated: 2025-03-18. Review status: criteria provided, single submitter. Criteria: Ambry Variant Classification Scheme 2023. Collection method: clinical testing. Allele origin: germline.
Comment: The p.S68I variant (also known as c.203G>T), located in coding exon 1 of the DOLK gene, results from a G to T substitution at nucleotide position 203. The serine at codon 68 is replaced by isoleucine, an amino acid with dissimilar properties. This amino acid position is conserved. In addition, this alteration is predicted to be tolerated by in silico analysis. Based on the available evidence, the clinical significance of this variant remains unclear.

GeneDx
Classification: Uncertain significance. Last evaluated: 2025-01-06. Review status: criteria provided, single submitter. Criteria: GeneDx Variant Classification Process June 2021. Collection method: clinical testing. Allele origin: germline. Affected: yes.
Comment: Not observed at significant frequency in large population cohorts (gnomAD); In silico analysis indicates that this missense variant does not alter protein structure/function; Has not been previously published as pathogenic or benign to our knowledge

Labcorp Genetics (formerly Invitae), Labcorp
Classification: Uncertain significance for DK1-congenital disorder of glycosylation. Last evaluated: 2022-07-17. Review status: criteria provided, single submitter. Criteria: Invitae Variant Classification Sherloc (09022015). Collection method: clinical testing. Allele origin: germline.
Comment: This sequence change replaces serine, which is neutral and polar, with isoleucine, which is neutral and non-polar, at codon 68 of the DOLK protein (p.Ser68Ile). The frequency data for this variant in the population databases is considered unreliable, as metrics indicate poor data quality at this position in the gnomAD database. This variant has not been reported in the literature in individuals affected with DOLK-related conditions. ClinVar contains an entry for this variant (Variation ID: 861709). Algorithms developed to predict the effect of missense changes on protein structure and function (SIFT, PolyPhen-2, Align-GVGD) all suggest that this variant is likely to be tolerated. In summary, the available evidence is currently insufficient to determine the role of this variant in disease. Therefore, it has been classified as a Variant of Uncertain Significance.